The following is an entry in ClinVar:

NM_006231.4(POLE):c.182G>C (p.Gly61Ala)

Gene: POLE (DNA polymerase epsilon, catalytic subunit; minus strand). Cytogenetic location: 12q24.33.
Variant type: single nucleotide variant.
Coding change: c.182G>C on transcript NM_006231.4 (MANE Select); coding-DNA position 182, G replaced by C.
Protein change: p.Gly61Ala; replaces glycine 61 with alanine.
Molecular consequence: missense variant.
Genome position (GRCh38, 1-based): chr12:132,681,160, C>G on the plus strand (G>C on the coding strand, the complement: POLE is on the minus strand). VCF-style: chr12-132681160-C-G. GRCh37 (hg19) VCF-style: chr12-133257746-C-G.
Other names: short protein forms G61A.
Identifiers: ClinVar variation 4141137 (VCV004141137.1).

ClinVar aggregate classification (germline): Uncertain significance (1 of 4 stars; one submission).

Conditions:
Hereditary cancer-predisposing syndrome. Also called: Hereditary neoplastic syndrome; Neoplastic Syndromes, Hereditary; Tumor predisposition; Hereditary Cancer Syndrome. Identifiers: Orphanet 140162, MedGen C0027672, MeSH D009386, MONDO:0015356.

Submission:

Ambry Genetics
Classification: Uncertain significance for Hereditary cancer-predisposing syndrome. Last evaluated: 2025-06-25. Review status: criteria provided, single submitter. Criteria: Ambry Variant Classification Scheme 2023. Collection method: clinical testing. Allele origin: germline.
Comment: The p.G61A variant (also known as c.182G>C), located in coding exon 2 of the POLE gene, results from a G to C substitution at nucleotide position 182. The glycine at codon 61 is replaced by alanine, an amino acid with similar properties. This amino acid position is conserved. In addition, the in silico prediction for this alteration is inconclusive. Based on the available evidence, the clinical significance of this variant remains unclear.